The following is an entry in ClinVar:

NM_006218.4(PIK3CA):c.1738G>A (p.Val580Ile)

Gene: PIK3CA (phosphatidylinositol-4,5-bisphosphate 3-kinase catalytic subunit alpha; plus strand). Cytogenetic location: 3q26.32.
Variant type: single nucleotide variant.
Coding change: c.1738G>A on transcript NM_006218.4 (MANE Select); coding-DNA position 1738, G replaced by A.
Protein change: p.Val580Ile; replaces valine 580 with isoleucine.
Molecular consequence: missense variant.
Genome position (GRCh38, 1-based): chr3:179,219,269, G>A. VCF-style: chr3-179219269-G-A. GRCh37 (hg19) VCF-style: chr3-178937057-G-A.
Other names: short protein forms V580I.
Identifiers: ClinVar variation 1779130 (VCV001779130.2), dbSNP rs2108410014, ClinGen allele CA355265648.
Genomic context (GRCh38, chr3:179,219,269, plus strand): 5'-ACTATCCCCGAAATTCTACCCAAATTGCTTCTGTCTGTTAAATGGAATTCTAGAGATGAA[G>A]TAGCCCAGGTAAATGTATGTTTGAGATTACTAGATAACTGTTGTACAAATTGGTATGTCA-3'
Protein context (NP_006209.2, residues 570-590): LSVKWNSRDE[Val580Ile]AQMYCLVKDW

ClinVar aggregate classification (germline): Uncertain significance (1 of 4 stars; one submission).

Conditions:
Inborn genetic diseases. Identifiers: MedGen C0950123, MeSH D030342.

Allele frequency attached by ClinVar (database versions not stated): gnomAD exomes below 0.00001.

Submission:

Ambry Genetics
Classification: Uncertain significance for Inborn genetic diseases. Last evaluated: 2022-05-07. Review status: criteria provided, single submitter. Criteria: Ambry Variant Classification Scheme 2023. Collection method: clinical testing. Allele origin: germline.
Comment: The p.V580I variant (also known as c.1738G>A), located in coding exon 10 of the PIK3CA gene, results from a G to A substitution at nucleotide position 1738. The valine at codon 580 is replaced by isoleucine, an amino acid with highly similar properties. This amino acid position is conserved. In addition, this alteration is predicted to be tolerated by in silico analysis. Since supporting evidence is limited at this time, the clinical significance of this alteration remains unclear.